The following is an entry in ClinVar:

NM_001042646.3(TRAK1):c.1551G>A (p.Glu517=)

Gene: TRAK1 (trafficking kinesin protein 1; plus strand). Cytogenetic location: 3p22.1.
Variant type: single nucleotide variant.
Coding change: c.1551G>A on transcript NM_001042646.3 (MANE Select); coding-DNA position 1551, G replaced by A.
Protein change: p.Glu517=; no amino-acid change (glutamic acid 517 retained).
Molecular consequence: synonymous variant. On other transcripts: non-coding transcript variant (1).
Genome position (GRCh38, 1-based): chr3:42,202,559, G>A. VCF-style: chr3-42202559-G-A. GRCh37 (hg19) VCF-style: chr3-42244051-G-A.
Other names: c.1551G>A, p.Glu517= (NM_001265608.2, NM_001349246.2, NM_001349247.2); c.1329G>A, p.Glu443= (NM_001265609.2, NM_001265610.1, NM_001349248.1 and 1 more transcripts); c.1239G>A, p.Glu413= (NM_001349245.1); c.1377G>A, p.Glu459= (NM_014965.5).
Identifiers: ClinVar variation 1560732 (VCV001560732.31), dbSNP rs139748722, ClinGen allele CA2333520.

ClinVar aggregate classification (germline): Benign/Likely benign. Review status: criteria provided, multiple submitters, no conflicts (2 of 4 stars). 3 submissions from 3 submitters: Benign (1); Likely benign (2). Last evaluated 2025-09-28.

Allele frequency attached by ClinVar (database versions not stated): gnomAD 0.00354 and 0.00379; 1000 Genomes Project 30x 0.00375; 1000 Genomes Project 0.00379; TOPMed 0.00408; ESP Exome Variant Server 0.00469.
gnomAD v4.1: 1,032 of 1,580,476 alleles (0.065%); highest among the groups gnomAD compares: African/African-American, 1.2%; 6 homozygotes.

Submissions (3):

Labcorp Genetics (formerly Invitae), Labcorp
Classification: Benign. Last evaluated: 2025-09-28. Review status: criteria provided, single submitter. Criteria: Invitae Variant Classification Sherloc (09022015). Collection method: clinical testing. Allele origin: germline.

Blueprint Genetics
Classification: Likely benign. Last evaluated: 2024-11-14. Review status: criteria provided, single submitter. Criteria: ACMG Guidelines, 2015. Collection method: clinical testing. Allele origin: germline.

CeGaT Center for Human Genetics Tuebingen
Classification: Likely benign. Last evaluated: 2024-10-01. Review status: criteria provided, single submitter. Criteria: CeGaT Center For Human Genetics Tuebingen Variant Classification Criteria Version 2. Collection method: clinical testing. Allele origin: germline. Affected: yes. Observed: 3 variant alleles.
Comment: TRAK1: BP4, BS1